The following is an entry in ClinVar:

ClinVar aggregate classification (germline): Pathogenic. Review status: criteria provided, multiple submitters, no conflicts (2 of 4 stars). 2 submissions from 2 submitters: Pathogenic (2). Last evaluated 2025-03-18.

Conditions:
Myofibrillar myopathy 5. Also called: FILAMINOPATHY, AUTOSOMAL DOMINANT; Filaminopathy (type). Identifiers: Orphanet 171445, MedGen C1836050, MONDO:0012289, OMIM 609524.
Hypertrophic cardiomyopathy 26. Also called: Cardiomyopathy, familial hypertrophic, 26. Identifiers: Orphanet 75249, MedGen C4310749, MONDO:0014883, OMIM 617047.
Distal myopathy with posterior leg and anterior hand involvement. Also called: WILLIAMS DISTAL MYOPATHY. Identifiers: Orphanet 63273, MedGen C3279722, MONDO:0013550, OMIM 614065.
Cardiovascular phenotype. Identifiers: MedGen CN230736.

Submissions (2):

Labcorp Genetics (formerly Invitae), Labcorp
Classification: Pathogenic for Distal myopathy with posterior leg and anterior hand involvement; Myofibrillar myopathy 5; Hypertrophic cardiomyopathy 26. Last evaluated: 2025-03-18. Review status: criteria provided, single submitter. Criteria: Invitae Variant Classification Sherloc (09022015). Collection method: clinical testing. Allele origin: germline.
Comment: This sequence change creates a premature translational stop signal (p.Pro1031Argfs*47) in the FLNC gene. It is expected to result in an absent or disrupted protein product. Loss-of-function variants in FLNC are known to be pathogenic (PMID: 27908349). This variant is not present in population databases (gnomAD no frequency). This variant has not been reported in the literature in individuals affected with FLNC-related conditions. ClinVar contains an entry for this variant (Variation ID: 2152041). For these reasons, this variant has been classified as Pathogenic.

Ambry Genetics
Classification: Pathogenic for Cardiovascular phenotype. Last evaluated: 2024-09-14. Review status: criteria provided, single submitter. Criteria: Ambry Variant Classification Scheme 2023. Collection method: clinical testing. Allele origin: germline.
Comment: The c.3092delC pathogenic mutation, located in coding exon 20 of the FLNC gene, results from a deletion of one nucleotide at nucleotide position 3092, causing a translational frameshift with a predicted alternate stop codon (p.P1031Rfs*47). This variant has been detected in an individual with features consistent with dilated cardiomyopathy and myocarditis (Vrettos A et al. Eur Heart J Case Rep, 2024 Mar;8:ytae111). This variant is considered to be rare based on population cohorts in the Genome Aggregation Database (gnomAD). This alteration is expected to result in loss of function by premature protein truncation or nonsense-mediated mRNA decay. As such, this alteration is interpreted as a disease-causing mutation for FLNC-related dilated cardiomyopathy; however, its clinical significance for FLNC-related hypertrophic/restrictive cardiomyopathy and/or skeletal myopathy is uncertain.

Literature cited by the submitters: PubMed 27908349 (cited by Labcorp Genetics (formerly Invitae), Labcorp); PubMed 38476289 (cited by Ambry Genetics).

NM_001458.5(FLNC):c.3092del (p.Pro1031fs)

Gene: FLNC (filamin C; plus strand). Cytogenetic location: 7q32.1.
Variant type: Deletion.
Coding change: c.3092del on transcript NM_001458.5 (MANE Select); coding-DNA position 3092, one base deleted (C; older notation c.3092delC).
Protein change: p.Pro1031fs; shifts the reading frame from proline 1031.
Molecular consequence: frameshift variant.
Genome position (GRCh38, 1-based): chr7:128,844,166, C deleted; the last of 5 consecutive C bases (chr7:128,844,162-128,844,166); deleting any one gives the same sequence. VCF-style (leftmost placement, unchanged base first): chr7-128844161-GC-G. GRCh37 (hg19) VCF-style: chr7-128484215-GC-G.
Other names: c.3092del, p.Pro1031fs (NM_001127487.2); short protein forms P1031fs.
Identifiers: ClinVar variation 2152041 (VCV002152041.5), dbSNP rs1808457346, ClinGen allele CA1742582466.